The following is an entry in ClinVar:

ClinVar aggregate classification (germline): Uncertain significance (1 of 4 stars; one submission).

Conditions:
Epidermolysis bullosa simplex with nail dystrophy (EBS5D). Identifiers: MedGen C4225309, MONDO:0014661, OMIM 616487.
Epidermolysis bullosa simplex, Ogna type (EBS5A). Also called: Pidermolysis bullosa simplex 5A, Ogna type; EPIDERMOLYSIS BULLOSA SIMPLEX 5A, OGNA TYPE. Identifiers: Orphanet 79401, MedGen C0432317, MONDO:0007555, OMIM 131950.
Epidermolysis bullosa simplex 5B, with muscular dystrophy (EBS5B). Also called: Epidermolysis bullosa simplex with muscular dystrophy; EPIDERMOLYSIS BULLOSA SIMPLEX AND LIMB-GIRDLE MUSCULAR DYSTROPHY. Identifiers: Orphanet 257, MedGen C2931072, MONDO:0009181, OMIM 226670.
Autosomal recessive limb-girdle muscular dystrophy type 2Q (LGMDR17). Also called: MUSCULAR DYSTROPHY, LIMB-GIRDLE, AUTOSOMAL RECESSIVE 17. Identifiers: Orphanet 254361, MedGen C3150989, MONDO:0013390, OMIM 613723.
Epidermolysis bullosa simplex 5C, with pyloric atresia (EBS5C). Also called: PLEC-Related Epidermolysis Bullosa with Pyloric Atresia; Epidermolysis bullosa simplex with pyloric atresia; PLEC1-Related Epidermolysis Bullosa with Pyloric Atresia. Identifiers: Orphanet 158684, MedGen C2677349, MONDO:0012807, OMIM 612138.

Submission:

Labcorp Genetics (formerly Invitae), Labcorp
Classification: Uncertain significance for Autosomal recessive limb-girdle muscular dystrophy type 2Q; Epidermolysis bullosa simplex, Ogna type; Epidermolysis bullosa simplex with nail dystrophy; Epidermolysis bullosa simplex 5C, with pyloric atresia; Epidermolysis bullosa simplex 5B, with muscular dystrophy. Last evaluated: 2025-08-26. Review status: criteria provided, single submitter. Criteria: Invitae Variant Classification Sherloc (09022015). Collection method: clinical testing. Allele origin: germline.
Comment: This sequence change replaces glutamic acid, which is acidic and polar, with valine, which is neutral and non-polar, at codon 1652 of the PLEC protein (p.Glu1652Val). This variant is not present in population databases (gnomAD no frequency). This variant has not been reported in the literature in individuals affected with PLEC-related conditions. Invitae Evidence Modeling of protein sequence and biophysical properties (such as structural, functional, and spatial information, amino acid conservation, physicochemical variation, residue mobility, and thermodynamic stability) indicates that this missense variant is not expected to disrupt PLEC protein function with a negative predictive value of 80%. In summary, the available evidence is currently insufficient to determine the role of this variant in disease. Therefore, it has been classified as a Variant of Uncertain Significance.

NM_201384.3(PLEC):c.4874A>T (p.Glu1625Val)

Gene: PLEC (plectin; minus strand). Cytogenetic location: 8q24.3.
Variant type: single nucleotide variant.
Coding change: c.4874A>T on transcript NM_201384.3 (MANE Select); coding-DNA position 4874, A replaced by T.
Protein change: p.Glu1625Val; replaces glutamic acid 1625 with valine.
Molecular consequence: missense variant. On other transcripts: intron variant (1).
Genome position (GRCh38, 1-based): chr8:143,925,055, T>A on the plus strand (A>T on the coding strand, the complement: PLEC is on the minus strand). VCF-style: chr8-143925055-T-A. GRCh37 (hg19) VCF-style: chr8-144999223-T-A.
Other names: c.4955A>T, p.Glu1652Val (NM_000445.5); c.4832A>T, p.Glu1611Val (NM_201378.4); c.4808A>T, p.Glu1603Val (NM_201379.3); c.5285A>T, p.Glu1762Val (NM_201380.4); c.4778A>T, p.Glu1593Val (NM_201381.3); c.4874A>T, p.Glu1625Val (NM_201382.4); c.4886A>T, p.Glu1629Val (NM_201383.3); c.4125+1729A>T (NM_001410941.1); short protein forms E1611V, E1652V, E1762V, E1629V, E1593V, E1603V, E1625V.
Identifiers: ClinVar variation 4782798 (VCV004782798.1).